The following is an entry in ClinVar:

NM_000142.5(FGFR3):c.1585A>T (p.Met529Leu)

Gene: FGFR3 (fibroblast growth factor receptor 3; plus strand). Cytogenetic location: 4p16.3.
Variant type: single nucleotide variant.
Coding change: c.1585A>T on transcript NM_000142.5 (MANE Select); coding-DNA position 1585, A replaced by T.
Protein change: p.Met529Leu; replaces methionine 529 with leucine.
Molecular consequence: missense variant. On other transcripts: non-coding transcript variant (1).
Genome position (GRCh38, 1-based): chr4:1,805,609, A>T. VCF-style: chr4-1805609-A-T. GRCh37 (hg19) VCF-style: chr4-1807336-A-T.
Other names: c.1591A>T, p.Met531Leu (NM_001163213.2); c.1588A>T, p.Met530Leu (NM_001354809.2, NM_001354810.2); c.1249A>T, p.Met417Leu (NM_022965.4); short protein forms M417L, M529L, M530L, M531L.
Identifiers: ClinVar variation 3573856 (VCV003573856.3).

ClinVar aggregate classification (germline): Uncertain significance. Review status: criteria provided, multiple submitters, no conflicts (2 of 4 stars). 2 submissions from 2 submitters: Uncertain significance (2). Last evaluated 2024-07-18.

Conditions:
Muenke syndrome (MNKES). Also called: MUENKE NONSYNDROMIC CORONAL CRANIOSYNOSTOSIS. Identifiers: Orphanet 53271, MedGen C1864436, MONDO:0011274, OMIM 602849.
Severe achondroplasia-developmental delay-acanthosis nigricans syndrome. Also called: Severe achondroplasia with developmental delay and acanthosis nigricans; SADDAN dysplasia. Identifiers: Orphanet 85165, MedGen C2674173, MONDO:0014658, OMIM 616482.
Camptodactyly-tall stature-scoliosis-hearing loss syndrome. Also called: CATSHL SYNDROME. Identifiers: Orphanet 85164, MedGen C1864852, MONDO:0012504, OMIM 610474.
Cervical cancer. Also called: Cancer of cervix; Cervical cancer, somatic; Cervix cancer. Identifiers: MedGen C4048328, MONDO:0002974, OMIM 603956, HP:0030079.
Crouzon syndrome-acanthosis nigricans syndrome. Also called: CROUZONODERMOSKELETAL SYNDROME. Identifiers: Orphanet 93262, MedGen C2677099, MONDO:0012833, OMIM 612247.
Colorectal cancer. Also called: Colorectal cancer, somatic; Malignant Colorectal Neoplasm. Identifiers: MedGen C0346629, MONDO:0005575, OMIM 114500.
Thanatophoric dysplasia type 1 (TD1). Also called: LETHAL SHORT-LIMBED PLATYSPONDYLIC DWARFISM, SAN DIEGO TYPE; PLATYSPONDYLIC LETHAL SKELETAL DYSPLASIA, SAN DIEGO TYPE; Thanatophoric Dysplasia Type 1 (TD Type 1). Identifiers: Orphanet 1860, Orphanet 2655, MedGen C1868678, MONDO:0008546, OMIM 187600. Disease mechanism: gain of function.
Thanatophoric dysplasia, type 2 (TD2). Also called: CLOVERLEAF SKULL WITH THANATOPHORIC DWARFISM; THANATOPHORIC DYSPLASIA WITH KLEEBLATTSCHAEDEL; THANATOPHORIC DYSPLASIA WITH STRAIGHT FEMURS AND CLOVERLEAF SKULL; Thanatophoric Dysplasia Type 2 (TD Type 2). Identifiers: Orphanet 2655, Orphanet 93274, MedGen C1300257, MONDO:0008547, OMIM 187601. Disease mechanism: gain of function.
Malignant tumor of urinary bladder. Also called: Urinary bladder cancer; Urinary Bladder Neoplasms; Bladder cancer. Identifiers: MedGen C0005684, MONDO:0001187, OMIM 109800.
Germ cell tumor of testis (TGCT). Also called: Testicular germ cell tumor; GERM CELL TUMOR, SOMATIC. Identifiers: Orphanet 363504, MedGen C1336708, MONDO:0010108, OMIM 273300.
Hypochondroplasia (HCH). Identifiers: Orphanet 429, MedGen C0410529, MONDO:0007793, OMIM 146000. Disease mechanism: gain of function.
Epidermal nevus. Also called: NEVUS, KERATINOCYTIC, NONEPIDERMOLYTIC; Nevus, epidermal, somatic. Identifiers: Orphanet 79414, MedGen C0334082, MONDO:0008093, OMIM 162900, HP:0010816.
Lacrimoauriculodentodigital syndrome 2 (LADD2). Also called: LADD SYNDROME 2. Identifiers: MedGen C5774286, MONDO:0859577, OMIM 620192.
Achondroplasia (ACH). Also called: Achondroplastic dwarfism. Identifiers: Orphanet 15, MedGen C0001080, MONDO:0007037, OMIM 100800. Disease mechanism: gain of function.

Submissions (2):

GeneDx
Classification: Uncertain significance. Last evaluated: 2024-07-18. Review status: criteria provided, single submitter. Criteria: GeneDx Variant Classification Process June 2021. Collection method: clinical testing. Allele origin: germline. Affected: yes.
Comment: In silico analysis supports that this missense variant has a deleterious effect on protein structure/function; Has not been previously published as pathogenic or benign to our knowledge

Juno Genomics, Hangzhou Juno Genomics, Inc
Classification: Uncertain significance for Lacrimoauriculodentodigital syndrome 2; Achondroplasia; Malignant tumor of urinary bladder; Camptodactyly-tall stature-scoliosis-hearing loss syndrome; Cervical cancer; Colorectal cancer; Crouzon syndrome-acanthosis nigricans syndrome; Hypochondroplasia; Muenke syndrome; Epidermal nevus; Severe achondroplasia-developmental delay-acanthosis nigricans syndrome; Germ cell tumor of testis; Thanatophoric dysplasia type 1; Thanatophoric dysplasia, type 2. Review status: criteria provided, single submitter. Criteria: ACMG Guidelines, 2015. Collection method: clinical testing. Allele origin: germline.
Comment: Absent from controls (or at extremely low frequency if recessive) in Genome Aggregation Database.;Multiple lines of computational evidence support a deleterious effect on the gene or gene product.